The following is an entry in ClinVar:

ClinVar aggregate classification (germline): Uncertain significance (1 of 4 stars; one submission).

Conditions:
Early Myoclonic Encephalopathy. Identifiers: MedGen C0270855.

Submission:

Labcorp Genetics (formerly Invitae), Labcorp
Classification: Uncertain significance for Early Myoclonic Encephalopathy. Last evaluated: 2022-12-07. Review status: criteria provided, single submitter. Criteria: Invitae Variant Classification Sherloc (09022015). Collection method: clinical testing. Allele origin: germline.
Comment: In summary, the available evidence is currently insufficient to determine the role of this variant in disease. Therefore, it has been classified as a Variant of Uncertain Significance. Advanced modeling of protein sequence and biophysical properties (such as structural, functional, and spatial information, amino acid conservation, physicochemical variation, residue mobility, and thermodynamic stability) performed at Invitae indicates that this missense variant is not expected to disrupt KCND2 protein function. This variant has not been reported in the literature in individuals affected with KCND2-related conditions. This variant is not present in population databases (gnomAD no frequency). This sequence change replaces asparagine, which is neutral and polar, with tyrosine, which is neutral and polar, at codon 510 of the KCND2 protein (p.Asn510Tyr).

NM_012281.3(KCND2):c.1528A>T (p.Asn510Tyr)

Gene: KCND2 (potassium voltage-gated channel subfamily D member 2; plus strand). Cytogenetic location: 7q31.31.
Variant type: single nucleotide variant.
Coding change: c.1528A>T on transcript NM_012281.3 (MANE Select); coding-DNA position 1528, A replaced by T.
Protein change: p.Asn510Tyr; replaces asparagine 510 with tyrosine.
Molecular consequence: missense variant.
Genome position (GRCh38, 1-based): chr7:120,745,840, A>T. VCF-style: chr7-120745840-A-T. GRCh37 (hg19) VCF-style: chr7-120385894-A-T.
Other names: short protein forms N510Y.
Identifiers: ClinVar variation 2819243 (VCV002819243.3), dbSNP rs766932130, ClinGen allele CA369135436.
Genomic context (GRCh38, chr7:120,745,840, plus strand): 5'-AATCACGAGTTTGTGGACGAACAAGTCTTTGAAGAAAGCTGCATGGAAGTTGCAACTGTT[A>T]ATCGTCCTTCAAGTCACAGTCCTTCACTGTCTTCACAACAAGGAGTCACCAGCACCTGCT-3'
Protein context (NP_036413.1, residues 500-520): EESCMEVATV[Asn510Tyr]RPSSHSPSLS